The following is an entry in ClinVar:

ClinVar aggregate classification (germline): Uncertain significance (1 of 4 stars; one submission).

Conditions:
Pontocerebellar hypoplasia type 1A (PCH1A). Also called: PONTOCEREBELLAR HYPOPLASIA WITH ANTERIOR HORN CELL DISEASE; PONTOCEREBELLAR HYPOPLASIA WITH INFANTILE SPINAL MUSCULAR ATROPHY. Identifiers: Orphanet 2254, Orphanet 88616, MedGen C1843504, MONDO:0011866, OMIM 607596.

gnomAD v4.1: 1 of 1,613,804 alleles (0.000062%); no homozygotes.

Submission:

Labcorp Genetics (formerly Invitae), Labcorp
Classification: Uncertain significance for Pontocerebellar hypoplasia type 1A. Last evaluated: 2021-03-29. Review status: criteria provided, single submitter. Criteria: Invitae Variant Classification Sherloc (09022015). Collection method: clinical testing. Allele origin: germline.
Comment: In summary, the available evidence is currently insufficient to determine the role of this variant in disease. Therefore, it has been classified as a Variant of Uncertain Significance. Algorithms developed to predict the effect of missense changes on protein structure and function are either unavailable or do not agree on the potential impact of this missense change (SIFT: "Deleterious"; PolyPhen-2: "Probably Damaging"; Align-GVGD: "Class C0"). This variant has not been reported in the literature in individuals with VRK1-related conditions. This variant is not present in population databases (ExAC no frequency). This sequence change replaces tryptophan with arginine at codon 37 of the VRK1 protein (p.Trp37Arg). The tryptophan residue is highly conserved and there is a moderate physicochemical difference between tryptophan and arginine.

NM_003384.3(VRK1):c.109T>A (p.Trp37Arg)

Gene: VRK1 (VRK serine/threonine kinase 1; plus strand). Cytogenetic location: 14q32.2.
Variant type: single nucleotide variant.
Coding change: c.109T>A on transcript NM_003384.3 (MANE Select); coding-DNA position 109, T replaced by A.
Protein change: p.Trp37Arg; replaces tryptophan 37 with arginine.
Molecular consequence: missense variant.
Genome position (GRCh38, 1-based): chr14:96,833,580, T>A. VCF-style: chr14-96833580-T-A. GRCh37 (hg19) VCF-style: chr14-97299917-T-A.
Other names: short protein forms W37R.
Identifiers: ClinVar variation 1521399 (VCV001521399.9), dbSNP rs2139748832, ClinGen allele CA390931028.
Genomic context (GRCh38, chr14:96,833,580, plus strand): 5'-AGACATCTTGCAGAACAATTTGCAGTTGGAGAGATAATAACTGACATGGCAAAAAAGGAA[T>A]GGAAAGTAGGATTACCCATTGGCCAAGGAGGCTTTGGCTGTATATATCTTGGTAAGTGTG-3'
Protein context (NP_003375.1, residues 27-47): EIITDMAKKE[Trp37Arg]KVGLPIGQGG